The following is an entry in ClinVar:

NM_015512.5(DNAH1):c.9617G>C (p.Trp3206Ser)

Gene: DNAH1 (dynein axonemal heavy chain 1; plus strand). Cytogenetic location: 3p21.1.
Variant type: single nucleotide variant.
Coding change: c.9617G>C on transcript NM_015512.5 (MANE Select); coding-DNA position 9617, G replaced by C.
Protein change: p.Trp3206Ser; replaces tryptophan 3206 with serine.
Molecular consequence: missense variant.
Genome position (GRCh38, 1-based): chr3:52,389,582, G>C. VCF-style: chr3-52389582-G-C. GRCh37 (hg19) VCF-style: chr3-52423598-G-C.
Other names: short protein forms W3206S.
Identifiers: ClinVar variation 5019895 (VCV005019895.2).
Genomic context (GRCh38, chr3:52,389,582, plus strand): 5'-CACACACCTCCGAGCCCACGCTAATCGGGACGCTGGGGAACCCTGTGAAGATCCGATCGT[G>C]GCAGGTGCCCACCCCAGGGGCAGGAGTGCCCAGGCAGGGCCTGTGGTGTGGTCCAGGCTG-3'
Protein context (NP_056327.4, residues 3196-3216): TLGNPVKIRS[Trp3206Ser]QIAGLPNDTL

ClinVar aggregate classification (germline): Uncertain significance (1 of 4 stars; one submission).

Conditions:
Spermatogenic failure 18. Identifiers: MedGen C4539783, MONDO:0054615, OMIM 617576.
Ciliary dyskinesia, primary, 37 (CILD37). Also called: CILIARY DYSKINESIA, PRIMARY, 37, WITH OR WITHOUT SITUS INVERSUS. Identifiers: MedGen C4539798, MONDO:0033204, OMIM 617577.

Submission:

Juno Genomics, Hangzhou Juno Genomics, Inc
Classification: Uncertain significance for Ciliary dyskinesia, primary, 37; Spermatogenic failure 18. Review status: criteria provided, single submitter. Criteria: ACMG Guidelines, 2015. Collection method: clinical testing. Allele origin: germline.
Comment: Absent from controls (or at extremely low frequency if recessive) in Genome Aggregation Database.